The following is an entry in ClinVar:

ClinVar aggregate classification (germline): Uncertain significance (1 of 4 stars; one submission).

Conditions:
PHGDH deficiency. Identifiers: Orphanet 79351, MedGen C1866174, MONDO:0011152, OMIM 601815.

Allele frequency attached by ClinVar (database versions not stated): gnomAD exomes 0.00002 and 0.00004; ExAC 0.00003; gnomAD 0.00004; TOPMed 0.00004.
gnomAD v4.1: 54 of 1,565,542 alleles (0.0034%); highest among the groups gnomAD compares: Non-Finnish European, 0.0045%; no homozygotes.

Submission:

Labcorp Genetics (formerly Invitae), Labcorp
Classification: Uncertain significance for PHGDH deficiency. Last evaluated: 2022-06-18. Review status: criteria provided, single submitter. Criteria: Invitae Variant Classification Sherloc (09022015). Collection method: clinical testing. Allele origin: germline.
Comment: This sequence change falls in intron 9 of the PHGDH gene. It does not directly change the encoded amino acid sequence of the PHGDH protein. It affects a nucleotide within the consensus splice site. This variant is present in population databases (rs755057495, gnomAD 0.006%). This variant has not been reported in the literature in individuals affected with PHGDH-related conditions. Variants that disrupt the consensus splice site are a relatively common cause of aberrant splicing (PMID: 17576681, 9536098). Algorithms developed to predict the effect of sequence changes on RNA splicing suggest that this variant may disrupt the consensus splice site. In summary, the available evidence is currently insufficient to determine the role of this variant in disease. Therefore, it has been classified as a Variant of Uncertain Significance.

Literature cited by the submitters: PubMed 17576681; PubMed 9536098.

NM_006623.4(PHGDH):c.1078+3G>A

Gene: PHGDH (phosphoglycerate dehydrogenase; plus strand). Cytogenetic location: 1p12.
Variant type: single nucleotide variant.
Coding change: c.1078+3G>A on transcript NM_006623.4 (MANE Select); 3 bases into the intron after coding-DNA position 1078, G replaced by A.
Molecular consequence: intron variant.
Genome position (GRCh38, 1-based): chr1:119,740,521, G>A. VCF-style: chr1-119740521-G-A. GRCh37 (hg19) VCF-style: chr1-120283144-G-A.
Identifiers: ClinVar variation 1424318 (VCV001424318.3), dbSNP rs755057495, ClinGen allele CA1037342.